The following is an entry in ClinVar:

NM_000196.4(HSD11B2):c.152TGC[1] (p.Leu52del)

Gene: HSD11B2 (hydroxysteroid 11-beta dehydrogenase 2; plus strand). Cytogenetic location: 16q22.1.
Variant type: Microsatellite.
Coding change: c.152TGC[1] on transcript NM_000196.4 (MANE Select); one copy of the 3-base unit TGC starting at c.152; the reference has two copies in a row; one copy, 3 bases deleted.
Protein change: p.Leu52del; deletes leucine 52.
Genome position (GRCh38, 1-based): chr16:67,431,403-67,431,405, TGC deleted; deleting any 3 consecutive bases within chr16:67,431,399-67,431,405 gives the same sequence; the position shown is the placement nearest the transcript's 3' end. VCF-style (leftmost placement, unchanged base first): chr16-67431398-CCTG-C. GRCh37 (hg19) VCF-style: chr16-67465301-CCTG-C.
Other names: short protein forms L52del.
Identifiers: ClinVar variation 4537984 (VCV004537984.1).

ClinVar aggregate classification (germline): Uncertain significance (1 of 4 stars; one submission).

Submission:

GeneDx
Classification: Uncertain significance. Last evaluated: 2025-06-05. Review status: criteria provided, single submitter. Criteria: GeneDx Variant Classification Process June 2021. Collection method: clinical testing. Allele origin: germline. Affected: yes.
Comment: Not observed at significant frequency in large population cohorts (gnomAD); In-frame deletion of 1 amino acid in a non-repeat region; In silico analysis supports a deleterious effect on protein structure/function; Has not been previously published as pathogenic or benign to our knowledge